The following is an entry in ClinVar:

ClinVar aggregate classification (germline): Uncertain significance (1 of 4 stars; one submission).

Conditions:
Ehlers-Danlos syndrome, classic type, 1 (EDSCL1). Also called: EHLERS-DANLOS SYNDROME, GRAVIS TYPE; EHLERS-DANLOS SYNDROME, SEVERE CLASSIC TYPE; Ehlers-Danlos syndrome, type 1; Ehlers-Danlos Syndrome, Classic Type, COL5A1-Related; EDS I. Identifiers: MedGen C0268335, MONDO:0019567, OMIM 130000.

Submission:

Labcorp Genetics (formerly Invitae), Labcorp
Classification: Uncertain significance for Ehlers-Danlos syndrome, classic type, 1. Last evaluated: 2024-08-04. Review status: criteria provided, single submitter. Criteria: Invitae Variant Classification Sherloc (09022015). Collection method: clinical testing. Allele origin: germline.
Comment: This sequence change replaces tyrosine, which is neutral and polar, with cysteine, which is neutral and slightly polar, at codon 420 of the COL5A1 protein (p.Tyr420Cys). This variant is not present in population databases (gnomAD no frequency). This variant has not been reported in the literature in individuals affected with COL5A1-related conditions. Advanced modeling of protein sequence and biophysical properties (such as structural, functional, and spatial information, amino acid conservation, physicochemical variation, residue mobility, and thermodynamic stability) performed at Invitae indicates that this missense variant is not expected to disrupt COL5A1 protein function with a negative predictive value of 95%. In summary, the available evidence is currently insufficient to determine the role of this variant in disease. Therefore, it has been classified as a Variant of Uncertain Significance.

NM_000093.5(COL5A1):c.1259A>G (p.Tyr420Cys)

Gene: COL5A1 (collagen type V alpha 1 chain; plus strand). Cytogenetic location: 9q34.3.
Variant type: single nucleotide variant.
Coding change: c.1259A>G on transcript NM_000093.5 (MANE Select); coding-DNA position 1259, A replaced by G.
Protein change: p.Tyr420Cys; replaces tyrosine 420 with cysteine.
Molecular consequence: missense variant.
Genome position (GRCh38, 1-based): chr9:134,731,590, A>G. VCF-style: chr9-134731590-A-G. GRCh37 (hg19) VCF-style: chr9-137623436-A-G.
Other names: c.1259A>G, p.Tyr420Cys (NM_001278074.1); short protein forms Y420C.
Identifiers: ClinVar variation 3630597 (VCV003630597.2).